The following is an entry in ClinVar:

ClinVar aggregate classification (germline): Uncertain significance (1 of 4 stars; one submission).

Conditions:
Neurodevelopmental disorder with speech impairment and dysmorphic facies. Identifiers: MedGen C5436699, MONDO:0033630, OMIM 619056.

Allele frequency attached by ClinVar (database versions not stated): TOPMed below 0.00001; gnomAD 0.00001; ExAC 0.00002; gnomAD exomes 0.00003.
gnomAD v4.1: 44 of 1,614,096 alleles (0.0027%); highest among the groups gnomAD compares: South Asian, 0.026%; 1 homozygote.

Submission:

Neuberg Centre For Genomic Medicine, NCGM
Classification: Uncertain significance for Neurodevelopmental disorder with speech impairment and dysmorphic facies. Last evaluated: 2023-03-01. Review status: criteria provided, single submitter. Criteria: ACMG Guidelines, 2015. Collection method: clinical testing. Allele origin: germline. Inheritance: Autosomal dominant inheritance. Affected: yes.
Comment: The missense c.395G>A (p.Arg132His) variant in the SETD1A gene has not been reported previously as a pathogenic variant nor as a benign variant, to our knowledge. This variant is reported with the allele frequency (0.001%) in the gnomAD Exomes and novel in 1000 Genomes. The amino acid Arginine at position 132 is changed to a Histidine changing protein sequence and it might alter its composition and physico-chemical properties. The variant is predicted as damaging by SIFT. The amino acid change p.Arg132His in SETD1A is predicted as conserved by GERP++ and PhyloP across 100 vertebrates. For these reasons, this variant has been classified as Uncertain Significance.

NM_014712.3(SETD1A):c.395G>A (p.Arg132His)

Gene: SETD1A (SET domain containing 1A, histone lysine methyltransferase; plus strand). Cytogenetic location: 16p11.2.
Variant type: single nucleotide variant.
Coding change: c.395G>A on transcript NM_014712.3 (MANE Select); coding-DNA position 395, G replaced by A.
Protein change: p.Arg132His; replaces arginine 132 with histidine.
Molecular consequence: missense variant.
Genome position (GRCh38, 1-based): chr16:30,961,415, G>A. VCF-style: chr16-30961415-G-A. GRCh37 (hg19) VCF-style: chr16-30972736-G-A.
Other names: short protein forms R132H.
Identifiers: ClinVar variation 2671656 (VCV002671656.1), dbSNP rs761673509, ClinGen allele CA8016376.